The following is an entry in ClinVar:

NM_002485.5(NBN):c.523G>A (p.Glu175Lys)

Gene: NBN (nibrin; minus strand). Cytogenetic location: 8q21.3.
Variant type: single nucleotide variant.
Coding change: c.523G>A on transcript NM_002485.5 (MANE Select); coding-DNA position 523, G replaced by A.
Protein change: p.Glu175Lys; replaces glutamic acid 175 with lysine.
Molecular consequence: missense variant.
Genome position (GRCh38, 1-based): chr8:89,978,281, C>T on the plus strand (G>A on the coding strand, the complement: NBN is on the minus strand). VCF-style: chr8-89978281-C-T. GRCh37 (hg19) VCF-style: chr8-90990509-C-T.
Other names: p.E175K:GAA>AAA; c.277G>A, p.Glu93Lys (NM_001024688.3); short protein forms E175K, E93K.
Identifiers: ClinVar variation 182733 (VCV000182733.3), dbSNP rs730881861, ClinGen allele CA299648.

ClinVar aggregate classification (germline): Uncertain significance (1 of 4 stars; one submission).

Submission:

GeneDx
Classification: Uncertain significance. Last evaluated: 2024-05-16. Review status: criteria provided, single submitter. Criteria: GeneDx Variant Classification Process June 2021. Collection method: clinical testing. Allele origin: germline. Affected: yes.
Comment: Not observed at significant frequency in large population cohorts (gnomAD); In silico analysis indicates that this missense variant does not alter protein structure/function; Has not been previously published as pathogenic or benign to our knowledge; This variant is associated with the following publications: (PMID: 24894818)